The following is an entry in ClinVar:

NM_002855.5(NECTIN1):c.*5C>G

Gene: NECTIN1 (nectin cell adhesion molecule 1; minus strand). Cytogenetic location: 11q23.3.
Variant type: single nucleotide variant.
Coding change: c.*5C>G on transcript NM_002855.5 (MANE Select); 5 bases downstream of the stop codon, C replaced by G.
Molecular consequence: 3 prime UTR variant. On other transcripts: intron variant (1).
Genome position (GRCh38, 1-based): chr11:119,664,742, G>C on the plus strand (C>G on the coding strand, the complement: NECTIN1 is on the minus strand). VCF-style: chr11-119664742-G-C. GRCh37 (hg19) VCF-style: chr11-119535452-G-C.
Other names: c.1003+10417C>G (NM_203285.2).
Identifiers: ClinVar variation 878430 (VCV000878430.6), dbSNP rs142987437, ClinGen allele CA6321762.

ClinVar aggregate classification (germline): Likely benign. Review status: criteria provided, multiple submitters, no conflicts (2 of 4 stars). 2 submissions from 2 submitters: Likely benign (2). Last evaluated 2018-01-13.

Conditions:
Cleft lip/palate-ectodermal dysplasia syndrome (CLPED1). Also called: Zlotogora syndrome; ECTODERMAL DYSPLASIA, CLEFT LIP AND PALATE, MENTAL RETARDATION, AND SYNDACTYLY; ECTODERMAL DYSPLASIA, MARGARITA ISLAND TYPE; ECTODERMAL DYSPLASIA, TYPE 4; ZLOTOGORA-OGUR SYNDROME. Identifiers: Orphanet 3253, MedGen C2931488, MONDO:0009151, OMIM 225060.

Allele frequency attached by ClinVar (database versions not stated): ESP Exome Variant Server 0.00508; ExAC 0.00896; TOPMed 0.00968; 1000 Genomes Project 0.02077; 1000 Genomes Project 30x 0.02077.
gnomAD v4.1: 4,548 of 1,606,298 alleles (0.28%); highest among the groups gnomAD compares: East Asian, 5.4%; 86 homozygotes.

Submissions (2):

Illumina Laboratory Services, Illumina
Classification: Likely benign for Cleft lip/palate-ectodermal dysplasia syndrome. Last evaluated: 2018-01-13. Review status: criteria provided, single submitter. Criteria: ICSL Variant Classification Criteria 13 December 2019. Collection method: clinical testing. Allele origin: germline.
Comment: This variant was observed in the ICSL laboratory as part of a predisposition screen in an ostensibly healthy population. It had not been previously curated by ICSL or reported in the Human Gene Mutation Database (HGMD: prior to June 1st, 2018), and was therefore a candidate for classification through an automated scoring system. Utilizing variant allele frequency, disease prevalence and penetrance estimates, and inheritance mode, an automated score was calculated to assess if this variant is too frequent to cause the disease. Based on the score and internal cut-off values, a variant classified as likely benign is not then subjected to further curation. The score for this variant resulted in a classification of likely benign for this disease.

Breakthrough Genomics
Classification: Likely benign. Review status: criteria provided, single submitter. Criteria: ACMG Guidelines, 2015. Collection method: not provided. Allele origin: germline. Inheritance: Autosomal recessive inheritance. Affected: yes.